The following is an entry in ClinVar:

NM_198576.4(AGRN):c.802_803delinsAT (p.Ala268Ile)

Gene: AGRN (agrin; plus strand). Cytogenetic location: 1p36.33.
Variant type: Indel.
Coding change: c.802_803delinsAT on transcript NM_198576.4 (MANE Select); coding-DNA positions 802 to 803, GC replaced by AT.
Protein change: p.Ala268Ile; replaces alanine 268 with isoleucine.
Molecular consequence: missense variant.
Genome position (GRCh38, 1-based): chr1:1,041,247-1,041,248, GC replaced by AT. VCF-style: chr1-1041247-GC-AT. GRCh37 (hg19) VCF-style: chr1-976627-GC-AT.
Other names: c.802_803delinsAT, p.Ala268Ile (NM_001305275.2); c.487_488delinsAT, p.Ala163Ile (NM_001364727.2); short protein forms A163I, A268I.
Identifiers: ClinVar variation 1029355 (VCV001029355.4), dbSNP rs1644926945, ClinGen allele CA1148750885.

ClinVar aggregate classification (germline): Uncertain significance. Review status: criteria provided, multiple submitters, no conflicts (2 of 4 stars). 3 submissions from 3 submitters: Uncertain significance (3). Last evaluated 2023-12-20.

Conditions:
Congenital myasthenic syndrome 8. Also called: MYASTHENIC SYNDROME, CONGENITAL, DUE TO AGRIN DEFICIENCY; Myasthenic syndrome, congenital, 8, with pre- and postsynaptic defects. Identifiers: Orphanet 590, MedGen C3808739, MONDO:0014052, OMIM 615120.

Submissions (3):

Clinical Genetics Laboratory, Skane University Hospital Lund
Classification: Uncertain significance. Last evaluated: 2023-12-20. Review status: criteria provided, single submitter. Criteria: ACMG Guidelines, 2015. Collection method: clinical testing. Allele origin: germline. Affected: yes.

Labcorp Genetics (formerly Invitae), Labcorp
Classification: Uncertain significance for Congenital myasthenic syndrome 8. Last evaluated: 2022-08-12. Review status: criteria provided, single submitter. Criteria: Invitae Variant Classification Sherloc (09022015). Collection method: clinical testing. Allele origin: germline.
Comment: This sequence change replaces alanine, which is neutral and non-polar, with isoleucine, which is neutral and non-polar, at codon 268 of the AGRN protein (p.Ala268Ile). This variant is present in population databases (no rsID available, gnomAD 0.1%). This variant has not been reported in the literature in individuals affected with AGRN-related conditions. ClinVar contains an entry for this variant (Variation ID: 1029355). Algorithms developed to predict the effect of missense changes on protein structure and function are either unavailable or do not agree on the potential impact of this missense change (SIFT: "Not Available"; PolyPhen-2: "Possibly Damaging"; Align-GVGD: "Not Available"). In summary, the available evidence is currently insufficient to determine the role of this variant in disease. Therefore, it has been classified as a Variant of Uncertain Significance.

Baylor Genetics
Classification: Uncertain significance for Congenital myasthenic syndrome 8. Last evaluated: 2019-01-20. Review status: criteria provided, single submitter. Criteria: ACMG Guidelines, 2015. Collection method: clinical testing. Allele origin: unknown. Affected: yes.
Comment: This variant was determined to be of uncertain significance according to ACMG Guidelines, 2015 [PMID:25741868].